The following is an entry in ClinVar:

NM_001378457.1(DMXL2):c.1217T>C (p.Val406Ala)

Gene: DMXL2 (Dmx like 2; minus strand). Cytogenetic location: 15q21.2.
Variant type: single nucleotide variant.
Coding change: c.1217T>C on transcript NM_001378457.1 (MANE Select); coding-DNA position 1217, T replaced by C.
Protein change: p.Val406Ala; replaces valine 406 with alanine.
Molecular consequence: missense variant. On other transcripts: non-coding transcript variant (2), intron variant (1).
Genome position (GRCh38, 1-based): chr15:51,538,341, A>G on the plus strand (T>C on the coding strand, the complement: DMXL2 is on the minus strand). VCF-style: chr15-51538341-A-G. GRCh37 (hg19) VCF-style: chr15-51830538-A-G.
Other names: c.1217T>C, p.Val406Ala (NM_001174116.3, NM_001174117.3, NM_001378458.1 and 6 more transcripts); c.1106-582T>C (NM_001378464.1); short protein forms V406A.
Identifiers: ClinVar variation 1985169 (VCV001985169.4), dbSNP rs549139604, ClinGen allele CA270609254.

ClinVar aggregate classification (germline): Uncertain significance (1 of 4 stars; one submission).

Allele frequency attached by ClinVar (database versions not stated): gnomAD exomes below 0.00001; TOPMed below 0.00001; gnomAD 0.00001; 1000 Genomes Project 30x 0.00016; 1000 Genomes Project 0.00020.
gnomAD v4.1: 4 of 1,613,864 alleles (0.00025%); highest among the groups gnomAD compares: East Asian, 0.0067%; no homozygotes.

Submission:

Labcorp Genetics (formerly Invitae), Labcorp
Classification: Uncertain significance. Last evaluated: 2022-04-28. Review status: criteria provided, single submitter. Criteria: Invitae Variant Classification Sherloc (09022015). Collection method: clinical testing. Allele origin: germline.
Comment: Algorithms developed to predict the effect of missense changes on protein structure and function (SIFT, PolyPhen-2, Align-GVGD) all suggest that this variant is likely to be tolerated. This variant has not been reported in the literature in individuals affected with DMXL2-related conditions. This variant is not present in population databases (gnomAD no frequency). This sequence change replaces valine, which is neutral and non-polar, with alanine, which is neutral and non-polar, at codon 406 of the DMXL2 protein (p.Val406Ala). In summary, the available evidence is currently insufficient to determine the role of this variant in disease. Therefore, it has been classified as a Variant of Uncertain Significance.